The following is an entry in ClinVar:

NC_000010.10:g.(?_88676885)_(88683482_?)dup

Gene: BMPR1A (bone morphogenetic protein receptor type 1A; plus strand). Cytogenetic location: 10q23.2.
Variant type: Duplication.
Identifiers: ClinVar variation 460468 (VCV000460468.5).

ClinVar aggregate classification (germline): Uncertain significance (1 of 4 stars; one submission).

Conditions:
Generalized juvenile polyposis/juvenile polyposis coli. Also called: Juvenile polyposis coli. Identifiers: Orphanet 329971, MedGen C1868081, MONDO:0008276.

Submission:

Labcorp Genetics (formerly Invitae), Labcorp
Classification: Uncertain significance for Juvenile polyposis syndrome. Last evaluated: 2017-04-28. Review status: criteria provided, single submitter. Criteria: Invitae Variant Classification Sherloc (09022015). Collection method: clinical testing. Allele origin: germline.
Comment: This variant is a gross duplication of the genomic region encompassing exons 9-13 of the BMPR1A gene. The 5' boundary is likely confined to intron 9. The 3' end of this event is unknown as it extends beyond the assayed region for this gene and therefore may encompass additional genes. Duplication of BMPR1A exons 9-13 has not been reported in the literature in individuals with a BMPR1A-related disorder. Experimental studies and prediction algorithms are not available for this variant, and the functional significance of this duplication is currently unknown. In summary, the exact genomic location of this variant is unknown and the impact of this duplication on BMPR1A protein function has not been established. Therefore, it has been classified as a Variant of Uncertain Significance.